The following is an entry in ClinVar:

NM_001357.5(DHX9):c.1700C>G (p.Thr567Ser)

Gene: DHX9 (DExH-box helicase 9; plus strand). Cytogenetic location: 1q25.3.
Variant type: single nucleotide variant.
Coding change: c.1700C>G on transcript NM_001357.5 (MANE Select); coding-DNA position 1700, C replaced by G.
Protein change: p.Thr567Ser; replaces threonine 567 with serine.
Molecular consequence: missense variant. On other transcripts: non-coding transcript variant (1).
Genome position (GRCh38, 1-based): chr1:182,872,479, C>G. VCF-style: chr1-182872479-C-G. GRCh37 (hg19) VCF-style: chr1-182841614-C-G.
Other names: short protein forms T567S.
Identifiers: ClinVar variation 4529924 (VCV004529924.1).

ClinVar aggregate classification (germline): Uncertain significance (1 of 4 stars; one submission).

gnomAD v4.1: 7 of 1,613,618 alleles (0.00043%); highest among the groups gnomAD compares: Non-Finnish European, 0.00059%; no homozygotes.

Submission:

GeneDx
Classification: Uncertain significance. Last evaluated: 2025-05-13. Review status: criteria provided, single submitter. Criteria: GeneDx Variant Classification Process June 2021. Collection method: clinical testing. Allele origin: germline. Affected: yes.
Comment: Not observed at significant frequency in large population cohorts (gnomAD); In silico analysis suggests that this missense variant does not alter protein structure/function; Has not been previously published as pathogenic or benign to our knowledge